The following is an entry in ClinVar:

NM_000553.6(WRN):c.3986T>A (p.Met1329Lys)

Gene: WRN (WRN RecQ like helicase; plus strand). Cytogenetic location: 8p12.
Variant type: single nucleotide variant.
Coding change: c.3986T>A on transcript NM_000553.6 (MANE Select); coding-DNA position 3986, T replaced by A.
Protein change: p.Met1329Lys; replaces methionine 1329 with lysine.
Molecular consequence: missense variant.
Genome position (GRCh38, 1-based): chr8:31,167,025, T>A. VCF-style: chr8-31167025-T-A. GRCh37 (hg19) VCF-style: chr8-31024541-T-A.
Other names: short protein forms M1329K.
Identifiers: ClinVar variation 1714658 (VCV001714658.5), dbSNP rs755711042, ClinGen allele CA370908330.

ClinVar aggregate classification (germline): Uncertain significance (1 of 4 stars; one submission).

Conditions:
Werner syndrome (WRN). Identifiers: Orphanet 902, MedGen C0043119, MONDO:0010196, OMIM 277700.

Allele frequency attached by ClinVar (database versions not stated): TOPMed below 0.00001.

Submission:

Labcorp Genetics (formerly Invitae), Labcorp
Classification: Uncertain significance for Werner syndrome. Last evaluated: 2023-08-16. Review status: criteria provided, single submitter. Criteria: Invitae Variant Classification Sherloc (09022015). Collection method: clinical testing. Allele origin: germline.
Comment: An algorithm developed to predict the effect of missense changes on protein structure and function (PolyPhen-2) suggests that this variant is likely to be tolerated. In summary, the available evidence is currently insufficient to determine the role of this variant in disease. Therefore, it has been classified as a Variant of Uncertain Significance. ClinVar contains an entry for this variant (Variation ID: 1714658). This variant has not been reported in the literature in individuals affected with WRN-related conditions. This variant is not present in population databases (gnomAD no frequency). This sequence change replaces methionine, which is neutral and non-polar, with lysine, which is basic and polar, at codon 1329 of the WRN protein (p.Met1329Lys).